The following is an entry in ClinVar:

NM_000026.4(ADSL):c.1112G>A (p.Arg371Gln)

Gene: ADSL (adenylosuccinate lyase; plus strand). Cytogenetic location: 22q13.1.
Variant type: single nucleotide variant.
Coding change: c.1112G>A on transcript NM_000026.4 (MANE Select); coding-DNA position 1112, G replaced by A.
Protein change: p.Arg371Gln; replaces arginine 371 with glutamine.
Molecular consequence: missense variant. On other transcripts: non-coding transcript variant (1).
Genome position (GRCh38, 1-based): chr22:40,364,286, G>A. VCF-style: chr22-40364286-G-A. GRCh37 (hg19) VCF-style: chr22-40760290-G-A.
Other names: p.R371Q:CGG>CAG; c.1112G>A, p.Arg371Gln (NM_001123378.3, NM_001363840.3); c.920G>A, p.Arg307Gln (NM_001317923.2); short protein forms R371Q, R307Q.
Identifiers: ClinVar variation 92305 (VCV000092305.19), dbSNP rs192303222, ClinGen allele CA220242.

ClinVar aggregate classification (germline): Conflicting classifications of pathogenicity. Review status: criteria provided, conflicting classifications (1 of 4 stars). 3 submissions from 3 submitters: Uncertain significance (2); Benign (1). Last evaluated 2025-10-13.

Conditions:
Adenylosuccinate lyase deficiency (ADSLD). Also called: ADSL DEFICIENCY. Identifiers: Orphanet 46, MedGen C0268126, MONDO:0007068, OMIM 103050.

Allele frequency attached by ClinVar (database versions not stated): gnomAD 0.00004 and 0.00007; ExAC 0.00005; 1000 Genomes Project 30x 0.00078; gnomAD exomes 0.00006 and 0.00001; TOPMed 0.00006; 1000 Genomes Project 0.00100.

Submissions (3):

Labcorp Genetics (formerly Invitae), Labcorp
Classification: Benign for Adenylosuccinate lyase deficiency. Last evaluated: 2025-10-13. Review status: criteria provided, single submitter. Criteria: Invitae Variant Classification Sherloc (09022015). Collection method: clinical testing. Allele origin: germline.

GeneDx
Classification: Uncertain significance. Last evaluated: 2025-02-21. Review status: criteria provided, single submitter. Criteria: GeneDx Variant Classification Process June 2021. Collection method: clinical testing. Allele origin: germline. Affected: yes.
Comment: In silico analysis supports that this missense variant has a deleterious effect on protein structure/function; Has not been previously published as pathogenic or benign to our knowledge

Eurofins Ntd Llc (ga)
Classification: Uncertain significance. Last evaluated: 2014-10-22. Review status: criteria provided, single submitter. Criteria: EGL Classification Definitions 2015. Collection method: clinical testing. Allele origin: germline. Observed: 3 variant alleles, 3 heterozygotes.